The following is an entry in ClinVar:

NM_139318.5(KCNH5):c.500C>T (p.Thr167Met)

Gene: KCNH5 (potassium voltage-gated channel subfamily H member 5; minus strand). Cytogenetic location: 14q23.2.
Variant type: single nucleotide variant.
Coding change: c.500C>T on transcript NM_139318.5 (MANE Select); coding-DNA position 500, C replaced by T.
Protein change: p.Thr167Met; replaces threonine 167 with methionine.
Molecular consequence: missense variant.
Genome position (GRCh38, 1-based): chr14:62,987,121, G>A on the plus strand (C>T on the coding strand, the complement: KCNH5 is on the minus strand). VCF-style: chr14-62987121-G-A. GRCh37 (hg19) VCF-style: chr14-63453839-G-A.
Other names: c.500C>T, p.Thr167Met (NM_172375.3); short protein forms T167M.
Identifiers: ClinVar variation 569692 (VCV000569692.7), dbSNP rs771253745, ClinGen allele CA7217655.

ClinVar aggregate classification (germline): Uncertain significance (1 of 4 stars; one submission).

Conditions:
Developmental and epileptic encephalopathy. Identifiers: MedGen C5779964, MONDO:0100620.

Allele frequency attached by ClinVar (database versions not stated): TOPMed below 0.00001; gnomAD 0.00001; ExAC 0.00003; gnomAD exomes 0.00003.
gnomAD v4.1: 37 of 1,613,436 alleles (0.0023%); highest among the groups gnomAD compares: East Asian, 0.0067%; no homozygotes.

Submission:

Labcorp Genetics (formerly Invitae), Labcorp
Classification: Uncertain significance for Early-infantile DEE. Last evaluated: 2021-08-31. Review status: criteria provided, single submitter. Criteria: Invitae Variant Classification Sherloc (09022015). Collection method: clinical testing. Allele origin: germline.
Comment: This sequence change replaces threonine with methionine at codon 167 of the KCNH5 protein (p.Thr167Met). The threonine residue is moderately conserved and there is a moderate physicochemical difference between threonine and methionine. This variant is present in population databases (rs771253745, ExAC 0.02%). This variant has not been reported in the literature in individuals affected with KCNH5-related conditions. Algorithms developed to predict the effect of missense changes on protein structure and function are either unavailable or do not agree on the potential impact of this missense change (SIFT: "Deleterious"; PolyPhen-2: "Possibly Damaging"; Align-GVGD: "Class C15"). In summary, the available evidence is currently insufficient to determine the role of this variant in disease. Therefore, it has been classified as a Variant of Uncertain Significance.